The following is an entry in ClinVar:

ClinVar aggregate classification (germline): Uncertain significance (1 of 4 stars; one submission).

Conditions:
Familial thoracic aortic aneurysm and aortic dissection (TAAD). Also called: Thoracic aortic aneurysms and dissections. Identifiers: Orphanet 91387, MedGen C4707243, MONDO:0019625.

Submission:

Color Diagnostics, LLC DBA Color Health
Classification: Uncertain significance for Familial thoracic aortic aneurysm and aortic dissection. Last evaluated: 2024-03-06. Review status: criteria provided, single submitter. Criteria: ACMG Guidelines, 2015. Collection method: clinical testing. Allele origin: germline.
Comment: This variant deletes and inserts 3 nucleotides replacing arginine with glutamine at codon 104 of the SMAD3 protein. Computational prediction is inconclusive regarding the impact of this variant on protein structure and function (internally defined REVEL score threshold 0.5 < inconclusive < 0.7, PMID: 27666373). To our knowledge, functional studies have not been reported for this variant. This variant has not been reported in individuals affected with cardiovascular disorders in the literature. This variant has not been identified in the general population by the Genome Aggregation Database (gnomAD). The available evidence is insufficient to determine the role of this variant in disease conclusively. Therefore, this variant is classified as a Variant of Uncertain Significance.

NM_005902.4(SMAD3):c.309_311delinsGCA (p.Arg104Gln)

Gene: SMAD3 (SMAD family member 3; plus strand). Cytogenetic location: 15q22.33.
Variant type: Indel.
Coding change: c.309_311delinsGCA on transcript NM_005902.4 (MANE Select); coding-DNA positions 309 to 311, ACG replaced by GCA.
Protein change: p.Arg104Gln; replaces arginine 104 with glutamine.
Molecular consequence: missense variant. On other transcripts: 5 prime UTR variant (1).
Genome position (GRCh38, 1-based): chr15:67,164,997-67,164,999, ACG replaced by GCA. VCF-style: chr15-67164997-ACG-GCA. GRCh37 (hg19) VCF-style: chr15-67457335-ACG-GCA.
Other names: c.-7_-5delinsGCA (NM_001145102.2); c.177_179delinsGCA, p.Arg60Gln (NM_001145103.2); short protein forms R104Q, R60Q.
Identifiers: ClinVar variation 1332493 (VCV001332493.4), dbSNP rs2140294017, ClinGen allele CA2573054095.